The following is an entry in ClinVar:

ClinVar aggregate classification (germline): Uncertain significance. Review status: criteria provided, single submitter (1 of 4 stars). 2 submissions from 2 submitters: Uncertain significance (1). 1 of the submissions does not count toward it. Last evaluated 2026-07-01.

Conditions:
Glycogen storage disease, type II (IOPD). Also called: POMPE DISEASE, INFANTILE-ONSET; GLYCOGEN STORAGE DISEASE II, INFANTILE-ONSET; ACID ALPHA-GLUCOSIDASE DEFICIENCY, INFANTILE-ONSET; GAA DEFICIENCY, INFANTILE-ONSET; ACID MALTASE DEFICIENCY, INFANTILE-ONSET; Glucosidase acid-1,4-alpha deficiency. Identifiers: Orphanet 365, MedGen C0017921, MONDO:0009290, OMIM 232300.

gnomAD v4.1: 1 of 1,610,610 alleles (0.000062%); highest among the groups gnomAD compares: South Asian, 0.0011%; no homozygotes.

Submissions (2):

Genomenon, Inc
Classification: Uncertain significance for Glycogen storage disease, type II. Last evaluated: 2026-07-01. Review status: criteria provided, single submitter. Criteria: Genomenon Sequence Variant Interpretation Standards - Updated. Collection method: curation. Allele origin: germline.
Comment: GAA p.Val642Ile (c.1924G>A) is a missense variant that changes the amino acid at codon 642 from Valine to Isoleucine. This variant has been reported in the compound heterozygous and/or homozygous state in at least one individual without a confirmed diagnosis of Pompe disease (PMID:31076647). It is absent or not present at a significant frequency in gnomAD. In conclusion, we classify GAA p.Val642Ile (c.1924G>A) as a variant of uncertain significance.

Natera, Inc.
Classification: Uncertain significance for Glycogen storage disease type II. Last evaluated: 2025-04-13. Review status: no assertion criteria provided. Collection method: clinical testing. Allele origin: germline. Not counted in ClinVar's aggregate classification.

Literature cited by the submitters: PubMed 31076647 (cited by Genomenon, Inc).

NM_000152.5(GAA):c.1924G>A (p.Val642Ile)

Gene: GAA (alpha glucosidase; plus strand). Cytogenetic location: 17q25.3.
Variant type: single nucleotide variant.
Coding change: c.1924G>A on transcript NM_000152.5 (MANE Select); coding-DNA position 1924, G replaced by A.
Protein change: p.Val642Ile; replaces valine 642 with isoleucine.
Molecular consequence: missense variant.
Genome position (GRCh38, 1-based): chr17:80,112,911, G>A. VCF-style: chr17-80112911-G-A. GRCh37 (hg19) VCF-style: chr17-78086710-G-A.
Other names: c.1924G>A, p.Val642Ile (NM_001079803.3, NM_001079804.3, NM_001406741.1 and 1 more transcripts); short protein forms V642I.
Identifiers: ClinVar variation 4068152 (VCV004068152.2).